The following is an entry in ClinVar:

ClinVar aggregate classification (germline): Uncertain significance (1 of 4 stars; one submission).

Conditions:
Hereditary cancer-predisposing syndrome. Also called: Neoplastic Syndromes, Hereditary; Tumor predisposition; Hereditary Cancer Syndrome; Hereditary neoplastic syndrome. Identifiers: Orphanet 140162, MedGen C0027672, MeSH D009386, MONDO:0015356.

Submission:

Ambry Genetics
Classification: Uncertain significance for Hereditary cancer-predisposing syndrome. Last evaluated: 2026-04-24. Review status: criteria provided, single submitter. Criteria: Ambry Variant Classification Scheme 2023. Collection method: clinical testing. Allele origin: germline.
Comment: The p.M454V variant (also known as c.1360A>G), located in coding exon 9 of the FH gene, results from an A to G substitution at nucleotide position 1360. The methionine at codon 454 is replaced by valine, an amino acid with highly similar properties. This amino acid position is highly conserved in available vertebrate species. In addition, this alteration is predicted to be deleterious by in silico analysis. Based on the available evidence, the clinical significance of this variant remains unclear.

NM_000143.4(FH):c.1360A>G (p.Met454Val)

Gene: FH (fumarate hydratase; minus strand). Cytogenetic location: 1q43.
Variant type: single nucleotide variant.
Coding change: c.1360A>G on transcript NM_000143.4 (MANE Select); coding-DNA position 1360, A replaced by G.
Protein change: p.Met454Val; replaces methionine 454 with valine.
Molecular consequence: missense variant.
Genome position (GRCh38, 1-based): chr1:241,500,467, T>C on the plus strand (A>G on the coding strand, the complement: FH is on the minus strand). VCF-style: chr1-241500467-T-C. GRCh37 (hg19) VCF-style: chr1-241663767-T-C.
Other names: short protein forms M454V.
Identifiers: ClinVar variation 2562372 (VCV002562372.3), dbSNP rs2527312794, ClinGen allele CA345436399.
Genomic context (GRCh38, chr1:241,500,467, plus strand): 5'-AAATGATATTATTATTCCTTAAACACTTACCTATATGAGGATTGAGAGCTGTCACCAACA[T>C]TAGAGACTCATTCATCAGCTTGTTGATCCTTTCTGTATTGGCCTGGATTCCCACCACGCA-3'
Protein context (NP_000134.2, residues 444-464): RINKLMNESL[Met454Val]LVTALNPHIG